The following is an entry in ClinVar:

NM_001164508.2(NEB):c.4646_4647del (p.Ala1549fs)

Gene: NEB (nebulin; minus strand). Cytogenetic location: 2q23.3.
Variant type: Deletion.
Coding change: c.4646_4647del on transcript NM_001164508.2 (MANE Select); coding-DNA positions 4646 to 4647, 2 bases deleted (CC; older notation c.4646_4647delCC).
Protein change: p.Ala1549fs; shifts the reading frame from alanine 1549.
Molecular consequence: frameshift variant.
Genome position (GRCh38, 1-based): chr2:151,667,876-151,667,877, GG deleted on the plus strand (CC on the coding strand, the reverse complement: NEB is on the minus strand). VCF-style (leftmost placement, unchanged base first): chr2-151667875-TGG-T. GRCh37 (hg19) VCF-style: chr2-152524389-TGG-T.
Other names: c.4646_4647del, p.Ala1549fs (NM_001164507.2, NM_001271208.2, NM_004543.5); short protein forms A1549fs.
Identifiers: ClinVar variation 2863856 (VCV002863856.3), dbSNP rs2552258957, ClinGen allele CA2739271418.

ClinVar aggregate classification (germline): Pathogenic (1 of 4 stars; one submission).

Conditions:
Nemaline myopathy 2 (NEM2). Also called: Nemaline myopathy 2, autosomal recessive. Identifiers: MedGen C1850569, MONDO:0009725, OMIM 256030.

Submission:

Labcorp Genetics (formerly Invitae), Labcorp
Classification: Pathogenic for Nemaline myopathy 2. Last evaluated: 2023-05-13. Review status: criteria provided, single submitter. Criteria: Invitae Variant Classification Sherloc (09022015). Collection method: clinical testing. Allele origin: germline.
Comment: This sequence change creates a premature translational stop signal (p.Ala1549Glufs*4) in the NEB gene. It is expected to result in an absent or disrupted protein product. Loss-of-function variants in NEB are known to be pathogenic (PMID: 25205138). This variant is not present in population databases (gnomAD no frequency). This variant has not been reported in the literature in individuals affected with NEB-related conditions. For these reasons, this variant has been classified as Pathogenic.

Literature cited by the submitters: PubMed 25205138.